The following is an entry in ClinVar:

ClinVar aggregate classification (germline): Conflicting classifications of pathogenicity. Review status: criteria provided, conflicting classifications (1 of 4 stars). 2 submissions from 2 submitters: Uncertain significance (1); Benign (1). Last evaluated 2025-10-08.

Conditions:
Hyperekplexia 2 (HKPX2). Identifiers: Orphanet 3197, MedGen C3553291, MONDO:0013828, OMIM 614619.

Allele frequency attached by ClinVar (database versions not stated): TOPMed 0.00002; gnomAD 0.00005; ExAC 0.00009.
gnomAD v4.1: 50 of 1,613,372 alleles (0.0031%); highest among the groups gnomAD compares: South Asian, 0.0033%; no homozygotes.

Submissions (2):

Labcorp Genetics (formerly Invitae), Labcorp
Classification: Uncertain significance for Hyperekplexia 2. Last evaluated: 2025-10-08. Review status: criteria provided, single submitter. Criteria: Invitae Variant Classification Sherloc (09022015). Collection method: clinical testing. Allele origin: germline.
Comment: This sequence change replaces alanine, which is neutral and non-polar, with threonine, which is neutral and polar, at codon 318 of the GLRB protein (p.Ala318Thr). This variant is present in population databases (rs750803516, gnomAD 0.01%). This variant has not been reported in the literature in individuals affected with GLRB-related conditions. ClinVar contains an entry for this variant (Variation ID: 347925). Invitae Evidence Modeling of protein sequence and biophysical properties (such as structural, functional, and spatial information, amino acid conservation, physicochemical variation, residue mobility, and thermodynamic stability) indicates that this missense variant is not expected to disrupt GLRB protein function with a negative predictive value of 80%. In summary, the available evidence is currently insufficient to determine the role of this variant in disease. Therefore, it has been classified as a Variant of Uncertain Significance.

Illumina Laboratory Services, Illumina
Classification: Benign for Hyperekplexia 2. Last evaluated: 2018-01-12. Review status: criteria provided, single submitter. Criteria: ICSL Variant Classification Criteria 13 December 2019. Collection method: clinical testing. Allele origin: germline.
Comment: This variant was observed in the ICSL laboratory as part of a predisposition screen in an ostensibly healthy population. It had not been previously curated by ICSL or reported in the Human Gene Mutation Database (HGMD: prior to June 1st, 2018), and was therefore a candidate for classification through an automated scoring system. Utilizing variant allele frequency, disease prevalence and penetrance estimates, and inheritance mode, an automated score was calculated to assess if this variant is too frequent to cause the disease. Based on the score and internal cut-off values, a variant classified as benign is not then subjected to further curation. The score for this variant resulted in a classification of benign for this disease.

NM_000824.5(GLRB):c.952G>A (p.Ala318Thr)

Gene: GLRB (glycine receptor beta; plus strand). Cytogenetic location: 4q32.1.
Variant type: single nucleotide variant.
Coding change: c.952G>A on transcript NM_000824.5 (MANE Select); coding-DNA position 952, G replaced by A.
Protein change: p.Ala318Thr; replaces alanine 318 with threonine.
Molecular consequence: missense variant. On other transcripts: intron variant (1).
Genome position (GRCh38, 1-based): chr4:157,152,765, G>A. VCF-style: chr4-157152765-G-A. GRCh37 (hg19) VCF-style: chr4-158073917-G-A.
Other names: c.952G>A, p.Ala318Thr (NM_001166060.2); c.904+8806G>A (NM_001166061.2); short protein forms A318T.
Identifiers: ClinVar variation 347925 (VCV000347925.7), dbSNP rs750803516, ClinGen allele CA3119924.